The following is an entry in ClinVar:

ClinVar aggregate classification (germline): Pathogenic. Review status: criteria provided, single submitter (1 of 4 stars). 3 submissions from 2 submitters: Pathogenic (2). 1 of the submissions does not count toward it.

Conditions:
RHIZOMELIC SKELETAL DYSPLASIA WITH PELGER-HUET ANOMALY.
Anadysplasia-like, spontaneously remitting spondylometaphyseal dysplasia.
Greenberg dysplasia (GRBGD). Also called: HEM SKELETAL DYSPLASIA; MOTH-EATEN SKELETAL DYSPLASIA; CHONDRODYSTROPHY, HYDROPIC AND PRENATALLY LETHAL TYPE. Identifiers: Orphanet 1426, MedGen C2931048, MONDO:0008974, OMIM 215140.

Allele frequency attached by ClinVar (database versions not stated): gnomAD exomes below 0.00001.
gnomAD v4.1: 3 of 1,613,928 alleles (0.00019%); highest among the groups gnomAD compares: East Asian, 0.0022%; no homozygotes.

Submissions (3):

Baylor-Hopkins Center for Mendelian Genomics, Johns Hopkins University School of Medicine
Classification: Pathogenic for Anadysplasia-like, spontaneously remitting spondylometaphyseal dysplasia. Review status: criteria provided, single submitter. Criteria: Submitter's publication. Collection method: research. Allele origin: germline. Affected: yes. Observed: 1 compound heterozygote.

Baylor-Hopkins Center for Mendelian Genomics, Johns Hopkins University School of Medicine
Classification: Pathogenic for Greenberg dysplasia. Review status: criteria provided, single submitter. Criteria: ACMG Guidelines, 2015. Collection method: research. Allele origin: somatic. Inheritance: Autosomal recessive inheritance. Affected: yes. Observed: 1 variant allele, 1 compound heterozygote.
Comment: Compound Heterozygote

OMIM
Classification: Pathogenic for RHIZOMELIC SKELETAL DYSPLASIA WITH PELGER-HUET ANOMALY. Last evaluated: 2022-03-17. Review status: no assertion criteria provided. Collection method: literature only. Allele origin: germline. Not counted in ClinVar's aggregate classification.

Literature cited by the submitters: PubMed 25348816 (cited by OMIM).

NM_002296.4(LBR):c.226C>T (p.Arg76Ter)

Gene: LBR (lamin B receptor; minus strand). Cytogenetic location: 1q42.12.
Variant type: single nucleotide variant.
Coding change: c.226C>T on transcript NM_002296.4 (MANE Select); coding-DNA position 226, C replaced by T.
Protein change: p.Arg76Ter; replaces arginine 76 with a stop codon.
Molecular consequence: nonsense.
Genome position (GRCh38, 1-based): chr1:225,422,217, G>A on the plus strand (C>T on the coding strand, the complement: LBR is on the minus strand). VCF-style: chr1-225422217-G-A. GRCh37 (hg19) VCF-style: chr1-225609919-G-A.
Other names: c.226C>T, p.Arg76Ter (NM_194442.3); short protein forms R76*.
Identifiers: ClinVar variation 224876 (VCV000224876.4), dbSNP rs869312905, ClinGen allele CA354084.